The following is an entry in ClinVar:

NM_001204077.2(UBE4A):c.3072C>T (p.Leu1024=)

Genes: UBE4A (ubiquitination factor E4A; plus strand), LOC100131626 (uncharacterized LOC100131626; minus strand). Cytogenetic location: 11q23.3.
Variant type: single nucleotide variant.
Coding change: c.3072C>T on transcript NM_001204077.2 (MANE Select); coding-DNA position 3072, C replaced by T.
Protein change: p.Leu1024=; no amino-acid change (leucine 1024 retained).
Molecular consequence: synonymous variant.
Genome position (GRCh38, 1-based): chr11:118,392,893, C>T. VCF-style: chr11-118392893-C-T. GRCh37 (hg19) VCF-style: chr11-118263608-C-T.
Other names: NC_000011.9:g.118263608C>T; c.3093C>T, p.Leu1031= (NM_004788.4).
Identifiers: ClinVar variation 4280813 (VCV004280813.9).
Genomic context (GRCh38, chr11:118,392,893, plus strand): 5'-TGTGGTGCTGCCATCTTCCAGAGTCACTGTGGATAGATCCACCATTGCAAGACATTTGCT[C>T]AGGTAGGCCAGTCCCAAAAACAGACTCAAGAGCATATATATATATTAGTTTGCTATCTTT-3'
Protein context (NP_001191006.1, residues 1014-1034): VDRSTIARHL[Leu1024=]SDQTDPFNRS

ClinVar aggregate classification (germline): Likely benign. Review status: criteria provided, multiple submitters, no conflicts (2 of 4 stars). 2 submissions from 2 submitters: Likely benign (2). Last evaluated 2026-06-01.

gnomAD v4.1: 4,367 of 1,612,444 alleles (0.27%); highest among the groups gnomAD compares: Non-Finnish European, 0.31%; 14 homozygotes.

Submissions (16):

CeGaT Center for Human Genetics Tuebingen
Classification: Likely benign. Last evaluated: 2026-06-01. Review status: criteria provided, single submitter. Criteria: CeGaT Center For Human Genetics Tuebingen Variant Classification Criteria Version 2. Collection method: clinical testing. Allele origin: germline. Affected: yes. Observed: 3 variant alleles.
Comment: UBE4A: BP4, BP7, BS2

Blueprint Genetics
Classification: Likely benign. Last evaluated: 2024-11-27. Review status: criteria provided, single submitter. Criteria: ACMG Guidelines, 2015. Collection method: clinical testing. Allele origin: germline.

Dr. Peter K. Rogan Lab, Western University
No classification provided (evidence only). Condition: Clear cell carcinoma of kidney. Review status: no classification provided. Collection method: in vitro. Allele origin: not applicable. Functional consequence: retained intron. Not counted in ClinVar's aggregate classification.

Dr. Peter K. Rogan Lab, Western University
No classification provided (evidence only). Condition: Acute myeloid leukemia. Review status: no classification provided. Collection method: in vitro. Allele origin: not applicable. Functional consequence: retained intron. Not counted in ClinVar's aggregate classification.

Dr. Peter K. Rogan Lab, Western University
No classification provided (evidence only). Condition: Acute myeloid leukemia. Review status: no classification provided. Collection method: in vitro. Allele origin: not applicable. Functional consequence: skipped exon, retained intron. Not counted in ClinVar's aggregate classification.

Dr. Peter K. Rogan Lab, Western University
No classification provided (evidence only). Condition: Acute myeloid leukemia. Review status: no classification provided. Collection method: in vitro. Allele origin: not applicable. Functional consequence: retained intron. Not counted in ClinVar's aggregate classification.

Dr. Peter K. Rogan Lab, Western University
No classification provided (evidence only). Condition: Uterine corpus endometrial carcinoma. Review status: no classification provided. Collection method: in vitro. Allele origin: not applicable. Functional consequence: retained intron. Not counted in ClinVar's aggregate classification.

Dr. Peter K. Rogan Lab, Western University
No classification provided (evidence only). Condition: Thymoma. Review status: no classification provided. Collection method: in vitro. Allele origin: not applicable. Functional consequence: skipped exon. Not counted in ClinVar's aggregate classification.

Dr. Peter K. Rogan Lab, Western University
No classification provided (evidence only). Condition: Ovarian serous cystadenocarcinoma. Review status: no classification provided. Collection method: in vitro. Allele origin: not applicable. Functional consequence: retained intron. Not counted in ClinVar's aggregate classification.

Dr. Peter K. Rogan Lab, Western University
No classification provided (evidence only). Condition: Ovarian serous cystadenocarcinoma. Review status: no classification provided. Collection method: in vitro. Allele origin: not applicable. Functional consequence: retained intron. Not counted in ClinVar's aggregate classification.

Dr. Peter K. Rogan Lab, Western University
No classification provided (evidence only). Condition: Ovarian serous cystadenocarcinoma. Review status: no classification provided. Collection method: in vitro. Allele origin: not applicable. Functional consequence: retained intron. Not counted in ClinVar's aggregate classification.

Dr. Peter K. Rogan Lab, Western University
No classification provided (evidence only). Condition: Gastric cancer. Review status: no classification provided. Collection method: in vitro. Allele origin: not applicable. Functional consequence: retained intron. Not counted in ClinVar's aggregate classification.

Dr. Peter K. Rogan Lab, Western University
No classification provided (evidence only). Condition: Gastric cancer. Review status: no classification provided. Collection method: in vitro. Allele origin: not applicable. Functional consequence: retained intron. Not counted in ClinVar's aggregate classification.

Dr. Peter K. Rogan Lab, Western University
No classification provided (evidence only). Condition: Gastric cancer. Review status: no classification provided. Collection method: in vitro. Allele origin: not applicable. Functional consequence: retained intron. Not counted in ClinVar's aggregate classification.

Dr. Peter K. Rogan Lab, Western University
No classification provided (evidence only). Condition: Gastric cancer. Review status: no classification provided. Collection method: in vitro. Allele origin: not applicable. Functional consequence: retained intron. Not counted in ClinVar's aggregate classification.

Dr. Peter K. Rogan Lab, Western University
No classification provided (evidence only). Condition: Malignant tumor of esophagus. Review status: no classification provided. Collection method: in vitro. Allele origin: not applicable. Functional consequence: retained intron. Not counted in ClinVar's aggregate classification.